The following is an entry in ClinVar:

ClinVar aggregate classification (germline): Uncertain significance. Review status: criteria provided, multiple submitters, no conflicts (2 of 4 stars). 3 submissions from 3 submitters: Uncertain significance (3). Last evaluated 2024-04-26.

Conditions:
Bruck syndrome 1 (BRKS1). Also called: ARTHROGRYPOSIS-LIKE DISORDER. Identifiers: Orphanet 1149, Orphanet 2771, MedGen C1850168, MONDO:0009806, OMIM 259450.
Osteogenesis imperfecta type 11. Also called: OI, TYPE XI; Osteogenesis imperfecta, type XI. Identifiers: Orphanet 666, MedGen C3151218, MONDO:0012592, OMIM 610968.
Inborn genetic diseases. Identifiers: MedGen C0950123, MeSH D030342.

Allele frequency attached by ClinVar (database versions not stated): ExAC 0.00004; gnomAD exomes 0.00005; gnomAD 0.00007 and 0.00008; ESP Exome Variant Server 0.00008; TOPMed 0.00009.
gnomAD v4.1: 65 of 1,613,516 alleles (0.004%); highest among the groups gnomAD compares: East Asian, 0.038%; 1 homozygote.

Submissions (3):

Labcorp Genetics (formerly Invitae), Labcorp
Classification: Uncertain significance. Last evaluated: 2024-04-26. Review status: criteria provided, single submitter. Criteria: Invitae Variant Classification Sherloc (09022015). Collection method: clinical testing. Allele origin: germline.
Comment: This sequence change replaces methionine, which is neutral and non-polar, with valine, which is neutral and non-polar, at codon 335 of the FKBP10 protein (p.Met335Val). This variant is present in population databases (rs369599375, gnomAD 0.05%). This variant has not been reported in the literature in individuals affected with FKBP10-related conditions. ClinVar contains an entry for this variant (Variation ID: 1360202). Advanced modeling of protein sequence and biophysical properties (such as structural, functional, and spatial information, amino acid conservation, physicochemical variation, residue mobility, and thermodynamic stability) performed at Invitae indicates that this missense variant is not expected to disrupt FKBP10 protein function with a negative predictive value of 80%. In summary, the available evidence is currently insufficient to determine the role of this variant in disease. Therefore, it has been classified as a Variant of Uncertain Significance.

Fulgent Genetics
Classification: Uncertain significance for Bruck syndrome 1; Osteogenesis imperfecta type 11. Last evaluated: 2021-11-17. Review status: criteria provided, single submitter. Criteria: ACMG Guidelines, 2015. Collection method: clinical testing. Allele origin: unknown.

Ambry Genetics
Classification: Uncertain significance for Inborn genetic diseases. Last evaluated: 2021-07-20. Review status: criteria provided, single submitter. Criteria: Ambry Variant Classification Scheme 2023. Collection method: clinical testing. Allele origin: germline.

NM_021939.4(FKBP10):c.1003A>G (p.Met335Val)

Gene: FKBP10 (FKBP prolyl isomerase 10; plus strand). Cytogenetic location: 17q21.2.
Variant type: single nucleotide variant.
Coding change: c.1003A>G on transcript NM_021939.4 (MANE Select); coding-DNA position 1003, A replaced by G.
Protein change: p.Met335Val; replaces methionine 335 with valine.
Molecular consequence: missense variant.
Genome position (GRCh38, 1-based): chr17:41,819,615, A>G. VCF-style: chr17-41819615-A-G. GRCh37 (hg19) VCF-style: chr17-39975867-A-G.
Other names: c.1003A>G (NM_021939.3); short protein forms M335V.
Identifiers: ClinVar variation 1360202 (VCV001360202.8), dbSNP rs369599375, ClinGen allele CA8566452.